The following is an entry in ClinVar:

NM_000548.5(TSC2):c.886G>A (p.Val296Met)

Gene: TSC2 (TSC complex subunit 2; plus strand). Cytogenetic location: 16p13.3.
Variant type: single nucleotide variant.
Coding change: c.886G>A on transcript NM_000548.5 (MANE Select); coding-DNA position 886, G replaced by A.
Protein change: p.Val296Met; replaces valine 296 with methionine.
Molecular consequence: missense variant.
Genome position (GRCh38, 1-based): chr16:2,058,784, G>A. VCF-style: chr16-2058784-G-A. GRCh37 (hg19) VCF-style: chr16-2108785-G-A.
Other names: c.886G>A, p.Val296Met (NM_001077183.3, NM_001114382.3, NM_001363528.2 and 3 more transcripts); c.775G>A, p.Val259Met (NM_001318827.2); c.739G>A, p.Val247Met (NM_001318829.2); c.286G>A, p.Val96Met (NM_001318831.2); c.919G>A, p.Val307Met (NM_001318832.2); short protein forms V296M, V307M, V96M, V247M, V259M.
Identifiers: ClinVar variation 374159 (VCV000374159.23), dbSNP rs747237113, ClinGen allele CA16043501.

ClinVar aggregate classification (germline): Conflicting classifications of pathogenicity. Review status: criteria provided, conflicting classifications (1 of 4 stars). 8 submissions from 7 submitters: Likely pathogenic (2); Uncertain significance (5); Likely benign (1). Last evaluated 2026-02-03.

Conditions:
Tuberous sclerosis syndrome (TSC). Also called: Tuberous sclerosis; Tuberous Sclerosis Complex. Identifiers: Orphanet 805, MedGen C0041341, MONDO:0001734.
Tuberous sclerosis 2 (TSC2). Identifiers: Orphanet 805, MedGen C1860707, MONDO:0013199, OMIM 613254.
Lymphangiomyomatosis (LAM). Also called: Lymphangioleiomyomatosis; Lymphangioleiomyomatosis, somatic. Identifiers: Orphanet 538, MedGen C0751674, MONDO:0011705, OMIM 606690.
Cortical tubers. Identifiers: MedGen C1968959, HP:0009717.
Hereditary cancer-predisposing syndrome. Also called: Tumor predisposition; Neoplastic Syndromes, Hereditary; Hereditary Cancer Syndrome; Hereditary neoplastic syndrome. Identifiers: Orphanet 140162, MedGen C0027672, MeSH D009386, MONDO:0015356.

Allele frequency attached by ClinVar (database versions not stated): gnomAD exomes below 0.00001; gnomAD 0.00001; TOPMed 0.00001.
gnomAD v4.1: 6 of 1,593,554 alleles (0.00038%); highest among the groups gnomAD compares: African/African-American, 0.004%; no homozygotes.

Submissions (8):

Labcorp Genetics (formerly Invitae), Labcorp
Classification: Likely benign for Tuberous sclerosis 2. Last evaluated: 2026-02-03. Review status: criteria provided, single submitter. Criteria: Invitae Variant Classification Sherloc (09022015). Collection method: clinical testing. Allele origin: germline.

Color Diagnostics, LLC DBA Color Health
Classification: Uncertain significance for Tuberous sclerosis syndrome. Last evaluated: 2025-09-04. Review status: criteria provided, single submitter. Criteria: ACMG Guidelines, 2015. Collection method: clinical testing. Allele origin: germline.
Comment: This missense variant replaces valine with methionine at codon 296 of the TSC2 protein. Computational prediction suggests that this variant may have deleterious impact on protein structure and function. To our knowledge, functional studies have not been reported for this variant. This variant has not been reported in individuals affected with TSC2-related disorders in the literature. This variant has been identified in 2/247000 chromosomes in the general population by the Genome Aggregation Database (gnomAD). The available evidence is insufficient to determine the role of this variant in disease conclusively. Therefore, this variant is classified as a Variant of Uncertain Significance.

Ambry Genetics
Classification: Uncertain significance for Hereditary cancer-predisposing syndrome. Last evaluated: 2024-07-25. Review status: criteria provided, single submitter. Criteria: Ambry Variant Classification Scheme 2023. Collection method: clinical testing. Allele origin: germline.
Comment: The p.V296M variant (also known as c.886G>A), located in coding exon 9 of the TSC2 gene, results from a G to A substitution at nucleotide position 886. The valine at codon 296 is replaced by methionine, an amino acid with highly similar properties. This alteration was detected in an individual with a personal history of epilepsy, specific learning disability, facial angiofibromas and renal cysts (Tumien B et al. Clin Genet, 2018 05;93:1057-1062). This amino acid position is highly conserved in available vertebrate species. In addition, this alteration is predicted to be deleterious by in silico analysis. Since supporting evidence is limited at this time, the clinical significance of this alteration remains unclear.

Blueprint Genetics
Classification: Uncertain significance. Last evaluated: 2024-02-05. Review status: criteria provided, single submitter. Criteria: ACMG Guidelines, 2015. Collection method: clinical testing. Allele origin: germline.

GeneDx
Classification: Uncertain significance. Last evaluated: 2022-09-23. Review status: criteria provided, single submitter. Criteria: GeneDx Variant Classification Process June 2021. Collection method: clinical testing. Allele origin: germline. Affected: yes.
Comment: Observed in a patient with epilepsy, learning disability, facial angiofibromas, and renal cysts; paternally inherited, although no clinical information was provided for the father (Tumiene et al., 2018); In silico analysis supports that this missense variant has a deleterious effect on protein structure/function; This variant is associated with the following publications: (PMID: 18466115, 29286531)

Genome-Nilou Lab
Classification: Uncertain significance for Tuberous sclerosis 2. Last evaluated: 2021-11-07. Review status: criteria provided, single submitter. Criteria: ACMG Guidelines, 2015. Collection method: clinical testing. Allele origin: germline. Affected: no.

Centre for Mendelian Genomics, University Medical Centre Ljubljana
Classification: Likely pathogenic for Lymphangiomyomatosis. Last evaluated: 2016-01-01. Review status: criteria provided, single submitter. Criteria: ACMG Guidelines, 2015. Collection method: clinical testing. Allele origin: unknown. Affected: yes.
Comment: This variant was classified as: Likely pathogenic.

Centre for Mendelian Genomics, University Medical Centre Ljubljana
Classification: Likely pathogenic for Cortical tubers. Last evaluated: 2014-09-19. Review status: criteria provided, single submitter. Criteria: ACMG Guidelines, 2015. Collection method: clinical testing. Allele origin: unknown. Affected: yes.

Literature cited by the submitters: PubMed 29286531 (cited by Ambry Genetics).